The following is an entry in ClinVar:

ClinVar aggregate classification (germline): Uncertain significance (1 of 4 stars; one submission).

Conditions:
Parathyroid carcinoma (PRTC). Also called: Parathyroid gland carcinoma; CDC73-Related Parathyroid Carcinoma. Identifiers: Orphanet 143, MedGen C0687150, MONDO:0012004, OMIM 608266, HP:0006780.

Submission:

Labcorp Genetics (formerly Invitae), Labcorp
Classification: Uncertain significance for Parathyroid carcinoma. Last evaluated: 2018-10-25. Review status: criteria provided, single submitter. Criteria: Invitae Variant Classification Sherloc (09022015). Collection method: clinical testing. Allele origin: germline.
Comment: This variant is not present in population databases (ExAC no frequency). In summary, the available evidence is currently insufficient to determine the role of this variant in disease. Therefore, it has been classified as a Variant of Uncertain Significance. Algorithms developed to predict the effect of sequence changes on RNA splicing suggest that this variant may create or strengthen a splice site, but this prediction has not been confirmed by published transcriptional studies. Algorithms developed to predict the effect of missense changes on protein structure and function (SIFT, PolyPhen-2, Align-GVGD) all suggest that this variant is likely to be tolerated, but these predictions have not been confirmed by published functional studies and their clinical significance is uncertain. This variant has not been reported in the literature in individuals with CDC73-related disease. This sequence change replaces aspartic acid with glycine at codon 294 of the CDC73 protein (p.Asp294Gly). The aspartic acid residue is highly conserved and there is a moderate physicochemical difference between aspartic acid and glycine.

NM_024529.5(CDC73):c.881A>G (p.Asp294Gly)

Gene: CDC73 (cell division cycle 73; plus strand). Cytogenetic location: 1q31.2.
Variant type: single nucleotide variant.
Coding change: c.881A>G on transcript NM_024529.5 (MANE Select); coding-DNA position 881, A replaced by G.
Protein change: p.Asp294Gly; replaces aspartic acid 294 with glycine.
Molecular consequence: missense variant.
Genome position (GRCh38, 1-based): chr1:193,150,356, A>G. VCF-style: chr1-193150356-A-G. GRCh37 (hg19) VCF-style: chr1-193119486-A-G.
Other names: short protein forms D294G.
Identifiers: ClinVar variation 643881 (VCV000643881.9), dbSNP rs1572160332, ClinGen allele CA343965097.
Genomic context (GRCh38, chr1:193,150,356, plus strand): 5'-TTTTACAGGATCCCACTTTGCGCACCAAACAGCCTATCCCAGCTGCCTATAACAGATACG[A>G]TCAGGAAAGATTCAAAGGAAAAGAAGGCAAGTTGCTTAATTCTTATCTTCCCCTTAGTGT-3'
Protein context (NP_078805.3, residues 284-304): QPIPAAYNRY[Asp294Gly]QERFKGKEET